The following is an entry in ClinVar:

ClinVar aggregate classification (germline): Uncertain significance (1 of 4 stars; one submission).

Allele frequency attached by ClinVar (database versions not stated): gnomAD 0.00018 and 0.00019; TOPMed 0.00018; 1000 Genomes Project 30x 0.00031; 1000 Genomes Project 0.00040; gnomAD exomes 0.00002 and 0.00003; ExAC 0.00005; ESP Exome Variant Server 0.00008.
gnomAD v4.1: 57 of 1,614,098 alleles (0.0035%); highest among the groups gnomAD compares: African/African-American, 0.075%; no homozygotes.

Submission:

Labcorp Genetics (formerly Invitae), Labcorp
Classification: Uncertain significance. Last evaluated: 2025-08-17. Review status: criteria provided, single submitter. Criteria: Invitae Variant Classification Sherloc (09022015). Collection method: clinical testing. Allele origin: germline.
Comment: This sequence change replaces aspartic acid, which is acidic and polar, with valine, which is neutral and non-polar, at codon 842 of the ERBIN protein (p.Asp842Val). This variant is present in population databases (rs148176113, gnomAD 0.04%). This variant has not been reported in the literature in individuals affected with ERBIN-related conditions. ClinVar contains an entry for this variant (Variation ID: 1350328). An algorithm developed to predict the effect of missense changes on protein structure and function (PolyPhen-2) suggests that this variant is likely to be tolerated. Algorithms developed to predict the effect of sequence changes on RNA splicing suggest that this variant may create or strengthen a splice site. In summary, the available evidence is currently insufficient to determine the role of this variant in disease. Therefore, it has been classified as a Variant of Uncertain Significance.

NM_001253697.2(ERBIN):c.2525A>T (p.Asp842Val)

Gene: ERBIN (erbb2 interacting protein; plus strand). Cytogenetic location: 5q12.3.
Variant type: single nucleotide variant.
Coding change: c.2525A>T on transcript NM_001253697.2 (MANE Select); coding-DNA position 2525, A replaced by T.
Protein change: p.Asp842Val; replaces aspartic acid 842 with valine.
Molecular consequence: missense variant.
Genome position (GRCh38, 1-based): chr5:66,053,843, A>T. VCF-style: chr5-66053843-A-T. GRCh37 (hg19) VCF-style: chr5-65349671-A-T.
Other names: c.2525A>T, p.Asp842Val (NM_001006600.3, NM_001253698.2, NM_001253699.2 and 1 more transcripts); c.2513A>T, p.Asp838Val (NM_001253701.2); short protein forms D838V, D842V.
Identifiers: ClinVar variation 1350328 (VCV001350328.6), dbSNP rs148176113, ClinGen allele CA3286503.